The following is an entry in ClinVar:

ClinVar aggregate classification (germline): Uncertain significance. Review status: criteria provided, multiple submitters, no conflicts (2 of 4 stars). 2 submissions from 2 submitters: Uncertain significance (2). Last evaluated 2023-03-29.

Conditions:
REST-related disorder. Also called: REST-related condition.

Submissions (2):

Labcorp Genetics (formerly Invitae), Labcorp
Classification: Uncertain significance. Last evaluated: 2023-03-29. Review status: criteria provided, single submitter. Criteria: Invitae Variant Classification Sherloc (09022015). Collection method: clinical testing. Allele origin: germline.
Comment: In summary, the available evidence is currently insufficient to determine the role of this variant in disease. Therefore, it has been classified as a Variant of Uncertain Significance. Experimental studies and prediction algorithms are not available or were not evaluated, and the functional significance of this variant is currently unknown. This variant has not been reported in the literature in individuals affected with REST-related conditions. This variant is present in population databases (no rsID available, gnomAD 0.01%). This variant, c.2164_2211del, results in the deletion of 16 amino acid(s) of the REST protein (p.Gln722_Met737del), but otherwise preserves the integrity of the reading frame.

PreventionGenetics, part of Exact Sciences
Classification: Uncertain significance for REST-related condition. Last evaluated: 2022-11-04. Review status: criteria provided, single submitter. Criteria: ACMG Guidelines, 2015. Collection method: clinical testing. Allele origin: germline.
Comment: The REST c.2164_2211del48 variant is predicted to result in an in-frame deletion (p.Gln722_Met737del). To our knowledge, this variant has not been reported in the literature. This variant is reported in 2 of ~251,000 alleles in gnomAD. At this time, the clinical significance of this variant is uncertain due to the absence of conclusive functional and genetic evidence.

NM_005612.5(REST):c.2164_2211del (p.Gln722_Met737del)

Gene: REST (RE1 silencing transcription factor; plus strand). Cytogenetic location: 4q12.
Variant type: Deletion.
Coding change: c.2164_2211del on transcript NM_005612.5 (MANE Select); coding-DNA positions 2164 to 2211, 48 bases deleted.
Protein change: p.Gln722_Met737del.
Molecular consequence: inframe deletion. On other transcripts: inframe indel (2).
Genome position (GRCh38, 1-based): chr4:56,931,022-56,931,069, 48 bases deleted; deleting any 48 consecutive bases within chr4:56,931,014-56,931,069 gives the same sequence; the c. name uses the placement nearest the transcript's 3' end. GRCh37 (hg19): chr4:57,797,188-57,797,235.
Other names: c.2164_2211del48, p.Gln722_Met737del (NM_001193508.2, NM_001363453.3).
Identifiers: ClinVar variation 2635000 (VCV002635000.4), dbSNP rs1560452466, ClinGen allele CA552144869.